The following is an entry in ClinVar:

ClinVar aggregate classification (germline): Uncertain significance (1 of 4 stars; one submission).

gnomAD v4.1: 2 of 1,599,042 alleles (0.00013%); highest among the groups gnomAD compares: Non-Finnish European, 0.00017%; no homozygotes.

Submission:

CeGaT Center for Human Genetics Tuebingen
Classification: Uncertain significance. Last evaluated: 2024-01-01. Review status: criteria provided, single submitter. Criteria: CeGaT Center For Human Genetics Tuebingen Variant Classification Criteria Version 2. Collection method: clinical testing. Allele origin: germline. Affected: yes. Observed: 1 variant allele.
Comment: ST6GALNAC6: PM2, BP4

NM_013443.5(ST6GALNAC6):c.813-4C>T

Genes: ST6GALNAC4-ST6GALNAC6-AK1 (ST6GALNAC4-ST6GALNAC6-AK1 readthrough; minus strand), ST6GALNAC6 (ST6 N-acetylgalactosaminide alpha-2,6-sialyltransferase 6; minus strand). Cytogenetic location: 9q34.11.
Variant type: single nucleotide variant.
Coding change: c.813-4C>T on transcript NM_013443.5 (MANE Select); 4 bases into the intron before coding-DNA position 813, C replaced by T.
Molecular consequence: intron variant.
Genome position (GRCh38, 1-based): chr9:127,886,792, G>A on the plus strand (C>T on the coding strand, the complement: ST6GALNAC6 is on the minus strand). VCF-style: chr9-127886792-G-A. GRCh37 (hg19) VCF-style: chr9-130649071-G-A.
Other names: c.888-4C>T (NM_001400830.1); c.711-4C>T (NM_001388489.1, NM_001287002.2, NM_001287000.2 and 2 more transcripts); c.*43-4C>T (NM_001400832.1, NM_001287003.2); c.711-8C>T (NM_001400833.1, NM_001400834.1, NM_001400835.1); c.813-8C>T (NM_001286999.2).
Identifiers: ClinVar variation 3026969 (VCV003026969.22), dbSNP rs1829785586, ClinGen allele CA2691816896.